The following is an entry in ClinVar:

NM_006767.4(LZTR1):c.2255A>T (p.Tyr752Phe)

Gene: LZTR1 (leucine zipper like post translational regulator 1; plus strand). Cytogenetic location: 22q11.21.
Variant type: single nucleotide variant.
Coding change: c.2255A>T on transcript NM_006767.4 (MANE Select); coding-DNA position 2255, A replaced by T.
Protein change: p.Tyr752Phe; replaces tyrosine 752 with phenylalanine.
Molecular consequence: missense variant.
Genome position (GRCh38, 1-based): chr22:20,996,731, A>T. VCF-style: chr22-20996731-A-T. GRCh37 (hg19) VCF-style: chr22-21351020-A-T.
Other names: short protein forms Y752F.
Identifiers: ClinVar variation 3541598 (VCV003541598.1).

ClinVar aggregate classification (germline): Uncertain significance (1 of 4 stars; one submission).

Conditions:
Hereditary cancer-predisposing syndrome. Also called: Hereditary Cancer Syndrome; Hereditary neoplastic syndrome; Tumor predisposition; Neoplastic Syndromes, Hereditary. Identifiers: Orphanet 140162, MedGen C0027672, MeSH D009386, MONDO:0015356.
Cardiovascular phenotype. Identifiers: MedGen CN230736.

Submission:

Ambry Genetics
Classification: Uncertain significance for Cardiovascular phenotype; Hereditary cancer-predisposing syndrome. Last evaluated: 2024-08-05. Review status: criteria provided, single submitter. Criteria: Ambry Variant Classification Scheme 2023. Collection method: clinical testing. Allele origin: germline.
Comment: The p.Y752F variant (also known as c.2255A>T), located in coding exon 19 of the LZTR1 gene, results from an A to T substitution at nucleotide position 2255. The tyrosine at codon 752 is replaced by phenylalanine, an amino acid with highly similar properties. This amino acid position is conserved. In addition, this alteration is predicted to be tolerated by in silico analysis. Based on the available evidence, the clinical significance of this variant remains unclear.